The following is an entry in ClinVar:

NM_003072.5(SMARCA4):c.1200G>C (p.Ala400=)

Gene: SMARCA4 (SWI/SNF related BAF chromatin remodeling complex subunit ATPase 4; plus strand). Cytogenetic location: 19p13.2.
Variant type: single nucleotide variant.
Coding change: c.1200G>C on transcript NM_003072.5 (MANE Select); coding-DNA position 1200, G replaced by C.
Protein change: p.Ala400=; no amino-acid change (alanine 400 retained).
Molecular consequence: synonymous variant. On other transcripts: non-coding transcript variant (1).
Genome position (GRCh38, 1-based): chr19:10,989,398, G>C. VCF-style: chr19-10989398-G-C. GRCh37 (hg19) VCF-style: chr19-11100074-G-C.
Other names: c.1200G>C, p.Ala400= (NM_001128844.3, NM_001128845.2, NM_001128846.2 and 6 more transcripts).
Identifiers: ClinVar variation 5042186 (VCV005042186.1).

ClinVar aggregate classification (germline): Benign (1 of 4 stars; one submission).

Conditions:
Rhabdoid tumor predisposition syndrome 2 (RTPS2). Identifiers: Orphanet 231108, Orphanet 69077, MedGen C2750074, MONDO:0013224, OMIM 613325.

Submission:

Myriad Genetics, Inc.
Classification: Benign for Rhabdoid tumor predisposition syndrome 2. Last evaluated: 2026-07-09. Review status: criteria provided, single submitter. Criteria: Myriad Autosomal Dominant, Autosomal Recessive and X-Linked Classification Criteria (2023). Collection method: clinical testing. Allele origin: unknown.
Comment: This variant is considered benign. This variant is a silent/synonymous amino acid change and it is not expected to impact splicing.